The following is an entry in ClinVar:

ClinVar aggregate classification (germline): Likely pathogenic (1 of 4 stars; one submission).

Submission:

CeGaT Center for Human Genetics Tuebingen
Classification: Likely pathogenic. Last evaluated: 2026-03-01. Review status: criteria provided, single submitter. Criteria: CeGaT Center For Human Genetics Tuebingen Variant Classification Criteria Version 2. Collection method: clinical testing. Allele origin: germline. Affected: yes. Observed: 1 variant allele.
Comment: ERCC3: PVS1:Strong, PM2

NM_000122.2(ERCC3):c.1944del (p.Met650fs)

Gene: ERCC3 (ERCC excision repair 3, TFIIH core complex helicase subunit; minus strand). Cytogenetic location: 2q14.3.
Variant type: Deletion.
Coding change: c.1944del on transcript NM_000122.2 (MANE Select); coding-DNA position 1944, one base deleted (A; older notation c.1944delA).
Protein change: p.Met650fs; shifts the reading frame from methionine 650.
Molecular consequence: frameshift variant.
Genome position (GRCh38, 1-based): chr2:127,271,337, T deleted on the plus strand (A on the coding strand, the reverse complement: ERCC3 is on the minus strand); the first of 6 consecutive T bases (chr2:127,271,337-127,271,342); deleting any one gives the same sequence. VCF-style (leftmost placement, unchanged base first): chr2-127271336-CT-C. GRCh37 (hg19) VCF-style: chr2-128028912-CT-C.
Other names: c.1752del, p.Met586fs (NM_001303416.2, NM_001303418.2); short protein forms M586fs, M650fs.
Identifiers: ClinVar variation 4823687 (VCV004823687.4).